The following is an entry in ClinVar:

ClinVar aggregate classification (germline): Uncertain significance. Review status: criteria provided, multiple submitters, no conflicts (2 of 4 stars). 2 submissions from 2 submitters: Uncertain significance (2). Last evaluated 2026-01-11.

Conditions:
Hereditary cancer-predisposing syndrome. Also called: Hereditary Cancer Syndrome; Tumor predisposition; Hereditary neoplastic syndrome; Neoplastic Syndromes, Hereditary. Identifiers: Orphanet 140162, MedGen C0027672, MeSH D009386, MONDO:0015356.

Submissions (2):

Labcorp Genetics (formerly Invitae), Labcorp
Classification: Uncertain significance. Last evaluated: 2026-01-11. Review status: criteria provided, single submitter. Criteria: Invitae Variant Classification Sherloc (09022015). Collection method: clinical testing. Allele origin: germline.
Comment: This sequence change replaces serine, which is neutral and polar, with phenylalanine, which is neutral and non-polar, at codon 987 of the POLE protein (p.Ser987Phe). This variant is not present in population databases (gnomAD no frequency). This variant has not been reported in the literature in individuals affected with POLE-related conditions. ClinVar contains an entry for this variant (Variation ID: 646585). Invitae Evidence Modeling of protein sequence and biophysical properties (such as structural, functional, and spatial information, amino acid conservation, physicochemical variation, residue mobility, and thermodynamic stability) indicates that this missense variant is expected to disrupt POLE protein function with a positive predictive value of 80%. In summary, the available evidence is currently insufficient to determine the role of this variant in disease. Therefore, it has been classified as a Variant of Uncertain Significance.

Ambry Genetics
Classification: Uncertain significance for Hereditary cancer-predisposing syndrome. Last evaluated: 2024-04-29. Review status: criteria provided, single submitter. Criteria: Ambry Variant Classification Scheme 2023. Collection method: clinical testing. Allele origin: germline.
Comment: The p.S987F variant (also known as c.2960C>T), located in coding exon 25 of the POLE gene, results from a C to T substitution at nucleotide position 2960. The serine at codon 987 is replaced by phenylalanine, an amino acid with highly dissimilar properties. This amino acid position is conserved. In addition, the in silico prediction for this alteration is inconclusive. Based on the available evidence, the clinical significance of this variant remains unclear.

NM_006231.4(POLE):c.2960C>T (p.Ser987Phe)

Gene: POLE (DNA polymerase epsilon, catalytic subunit; minus strand). Cytogenetic location: 12q24.33.
Variant type: single nucleotide variant.
Coding change: c.2960C>T on transcript NM_006231.4 (MANE Select); coding-DNA position 2960, C replaced by T.
Protein change: p.Ser987Phe; replaces serine 987 with phenylalanine.
Molecular consequence: missense variant.
Genome position (GRCh38, 1-based): chr12:132,661,069, G>A on the plus strand (C>T on the coding strand, the complement: POLE is on the minus strand). VCF-style: chr12-132661069-G-A. GRCh37 (hg19) VCF-style: chr12-133237655-G-A.
Other names: c.2960C>T (NM_006231.2); short protein forms S987F.
Identifiers: ClinVar variation 646585 (VCV000646585.9), dbSNP rs1593776064, ClinGen allele CA387392479.